The following is an entry in ClinVar:

ClinVar aggregate classification (germline): Uncertain significance (1 of 4 stars; one submission).

Conditions:
Combined immunodeficiency due to DOCK8 deficiency (HIES2). Also called: HYPER-IgE SYNDROME 2, AUTOSOMAL RECESSIVE, WITH RECURRENT INFECTIONS; Hyper-IgE recurrent infection syndrome, autosomal recessive; HIES autosomal recessive; DOCK8 Deficiency; HYPER-IgE RECURRENT INFECTION SYNDROME 2, AUTOSOMAL RECESSIVE. Identifiers: Orphanet 217390, MedGen C4722305, MONDO:0009478, OMIM 243700.

Allele frequency attached by ClinVar (database versions not stated): gnomAD exomes below 0.00001.
gnomAD v4.1: 8 of 1,614,194 alleles (0.0005%); highest among the groups gnomAD compares: Non-Finnish European, 0.00059%; no homozygotes.

Submission:

Labcorp Genetics (formerly Invitae), Labcorp
Classification: Uncertain significance for Combined immunodeficiency due to DOCK8 deficiency. Last evaluated: 2018-01-18. Review status: criteria provided, single submitter. Criteria: Invitae Variant Classification Sherloc (09022015). Collection method: clinical testing. Allele origin: germline.
Comment: In summary, the available evidence is currently insufficient to determine the role of this variant in disease. Therefore, it has been classified as a Variant of Uncertain Significance. Algorithms developed to predict the effect of missense changes on protein structure and function do not agree on the potential impact of this missense change (SIFT: "Deleterious"; PolyPhen-2: "Probably Damaging"; Align-GVGD: "Class C0"). This variant has not been reported in the literature in individuals with DOCK8-related disease. This variant is not present in population databases (ExAC no frequency). This sequence change replaces methionine with leucine at codon 589 of the DOCK8 protein (p.Met589Leu). The methionine residue is highly conserved and there is a small physicochemical difference between methionine and leucine.

NM_203447.4(DOCK8):c.1765A>T (p.Met589Leu)

Gene: DOCK8 (dedicator of cytokinesis 8; plus strand). Cytogenetic location: 9p24.3.
Variant type: single nucleotide variant.
Coding change: c.1765A>T on transcript NM_203447.4 (MANE Select); coding-DNA position 1765, A replaced by T.
Protein change: p.Met589Leu; replaces methionine 589 with leucine.
Molecular consequence: missense variant.
Genome position (GRCh38, 1-based): chr9:368,103, A>T. VCF-style: chr9-368103-A-T. GRCh37 (hg19) VCF-style: chr9-368103-A-T.
Other names: c.1561A>T, p.Met521Leu (NM_001190458.2, NM_001193536.2); short protein forms M589L, M521L.
Identifiers: ClinVar variation 578536 (VCV000578536.9), dbSNP rs1021548656, ClinGen allele CA187804692.